The following is an entry in ClinVar:

NM_001101362.3(KBTBD13):c.217G>A (p.Ala73Thr)

Gene: KBTBD13 (kelch repeat and BTB domain containing 13; plus strand). Cytogenetic location: 15q22.31.
Variant type: single nucleotide variant.
Coding change: c.217G>A on transcript NM_001101362.3 (MANE Select); coding-DNA position 217, G replaced by A.
Protein change: p.Ala73Thr; replaces alanine 73 with threonine.
Molecular consequence: missense variant.
Genome position (GRCh38, 1-based): chr15:65,077,032, G>A. VCF-style: chr15-65077032-G-A. GRCh37 (hg19) VCF-style: chr15-65369370-G-A.
Other names: short protein forms A73T.
Identifiers: ClinVar variation 654189 (VCV000654189.8), dbSNP rs1313295854, ClinGen allele CA392858793.

ClinVar aggregate classification (germline): Uncertain significance (1 of 4 stars; one submission).

Conditions:
Nemaline myopathy 6 (NEM6). Also called: Nemaline myopathy 6, autosomal dominant. Identifiers: Orphanet 171439, MedGen C1836472, MONDO:0012237, OMIM 609273.

Submission:

Labcorp Genetics (formerly Invitae), Labcorp
Classification: Uncertain significance for Nemaline myopathy 6. Last evaluated: 2025-05-27. Review status: criteria provided, single submitter. Criteria: Invitae Variant Classification Sherloc (09022015). Collection method: clinical testing. Allele origin: germline.
Comment: This sequence change replaces alanine, which is neutral and non-polar, with threonine, which is neutral and polar, at codon 73 of the KBTBD13 protein (p.Ala73Thr). This variant is not present in population databases (gnomAD no frequency). This variant has not been reported in the literature in individuals affected with KBTBD13-related conditions. ClinVar contains an entry for this variant (Variation ID: 654189). Invitae Evidence Modeling of protein sequence and biophysical properties (such as structural, functional, and spatial information, amino acid conservation, physicochemical variation, residue mobility, and thermodynamic stability) indicates that this missense variant is not expected to disrupt KBTBD13 protein function with a negative predictive value of 80%. In summary, the available evidence is currently insufficient to determine the role of this variant in disease. Therefore, it has been classified as a Variant of Uncertain Significance.